The following is an entry in ClinVar:

NM_003628.6(PKP4):c.1964A>G (p.Asp655Gly)

Gene: PKP4 (plakophilin 4; plus strand). Cytogenetic location: 2q24.1.
Variant type: single nucleotide variant.
Coding change: c.1964A>G on transcript NM_003628.6 (MANE Select); coding-DNA position 1964, A replaced by G.
Protein change: p.Asp655Gly; replaces aspartic acid 655 with glycine.
Molecular consequence: missense variant.
Genome position (GRCh38, 1-based): chr2:158,658,185, A>G. VCF-style: chr2-158658185-A-G. GRCh37 (hg19) VCF-style: chr2-159514697-A-G.
Other names: c.1964A>G, p.Asp655Gly (NM_001005476.4, NM_001304971.2, NM_001377218.1 and 1 more transcripts); c.1961A>G, p.Asp654Gly (NM_001304969.3, NM_001377219.1, NM_001377220.1 and 2 more transcripts); c.935A>G, p.Asp312Gly (NM_001304970.3); c.1958A>G, p.Asp653Gly (NM_001377222.1, NM_001377223.1); c.1955A>G, p.Asp652Gly (NM_001377224.1); short protein forms D654G, D652G, D653G, D312G, D655G.
Identifiers: ClinVar variation 2563015 (VCV002563015.2), dbSNP rs2529770277, ClinGen allele CA348901206.

ClinVar aggregate classification (germline): Uncertain significance (1 of 4 stars; one submission).

Submission:

Ambry Genetics
Classification: Uncertain significance. Last evaluated: 2023-05-21. Review status: criteria provided, single submitter. Criteria: Ambry Variant Classification Scheme 2023. Collection method: clinical testing. Allele origin: germline.
Comment: The p.D655G variant (also known as c.1964A>G), located in coding exon 11 of the PKP4 gene, results from an A to G substitution at nucleotide position 1964. The aspartic acid at codon 655 is replaced by glycine, an amino acid with similar properties. This amino acid position is conserved. In addition, this alteration is predicted to be deleterious by in silico analysis. Since supporting evidence is limited at this time, the clinical significance of this alteration remains unclear.